The following is an entry in ClinVar:

ClinVar aggregate classification (germline): Uncertain significance (1 of 4 stars; one submission).

Conditions:
Familial intrahepatic cholestasis. Identifiers: Orphanet 284385, MedGen CN296401, MONDO:0017290.
Low phospholipid associated cholelithiasis (GBD1). Also called: Gallbladder disease 1; Gallstone cholecystitis. Identifiers: Orphanet 69663, MedGen C2609268, MONDO:0010939, OMIM 600803.

gnomAD v4.1: 2 of 1,609,526 alleles (0.00012%); highest among the groups gnomAD compares: South Asian, 0.0022%; no homozygotes.

Submission:

Genomenon, Inc
Classification: Uncertain significance for Familial intrahepatic cholestasis; Low phospholipid associated cholelithiasis. Last evaluated: 2026-04-14. Review status: criteria provided, single submitter. Criteria: Genomenon Sequence Variant Interpretation Standards - Updated. Collection method: curation. Allele origin: germline. Affected: no.
Comment: ABCB4 p.Lys35Glu (c.103A>G) is a missense variant that changes the amino acid at residue 35 from Lysine to Glutamic acid. This variant has been reported in the published literature (PMID:37208429). It is absent or not present at a significant frequency in gnomAD. In silico models predict that this variant is not damaging. In conclusion, we classify ABCB4 p.Lys35Glu (c.103A>G) as a variant of uncertain significance.

Literature cited by the submitters: PubMed 37208429.

NM_000443.4(ABCB4):c.103A>G (p.Lys35Glu)

Gene: ABCB4 (ATP binding cassette subfamily B member 4; minus strand). Cytogenetic location: 7q21.12.
Variant type: single nucleotide variant.
Coding change: c.103A>G on transcript NM_000443.4 (MANE Select); coding-DNA position 103, A replaced by G.
Protein change: p.Lys35Glu; replaces lysine 35 with glutamic acid.
Molecular consequence: missense variant.
Genome position (GRCh38, 1-based): chr7:87,472,653, T>C on the plus strand (A>G on the coding strand, the complement: ABCB4 is on the minus strand). VCF-style: chr7-87472653-T-C. GRCh37 (hg19) VCF-style: chr7-87101969-T-C.
Other names: c.103A>G, p.Lys35Glu (NM_018849.3, NM_018850.3); short protein forms K35E.
Identifiers: ClinVar variation 4846518 (VCV004846518.1).
Genomic context (GRCh38, chr7:87,472,653, plus strand): 5'-TATTCACATTTAACATTTCACAGCTTACCAATGTTAATACTCCAATCATTTTCACTGTCT[T>C]CGTTTTTTTCCTTTTTTGTTTGCTGTAAAAAATAGAATTGCTTCAATTTAAAACTGTTAC-3'
Protein context (NP_000434.1, residues 25-45): ISSKQKRKKT[Lys35Glu]TVKMIGVLTL